The following is an entry in ClinVar:

ClinVar aggregate classification (germline): Uncertain significance (1 of 4 stars; one submission).

gnomAD v4.1: 5 of 1,613,154 alleles (0.00031%); highest among the groups gnomAD compares: African/African-American, 0.004%; no homozygotes.

Submission:

Labcorp Genetics (formerly Invitae), Labcorp
Classification: Uncertain significance. Last evaluated: 2025-07-21. Review status: criteria provided, single submitter. Criteria: Invitae Variant Classification Sherloc (09022015). Collection method: clinical testing. Allele origin: germline.
Comment: This sequence change replaces arginine, which is basic and polar, with glycine, which is neutral and non-polar, at codon 53 of the PMP2 protein (p.Arg53Gly). This variant is present in population databases (no rsID available, gnomAD 0.02%). This variant has not been reported in the literature in individuals affected with PMP2-related conditions. ClinVar contains an entry for this variant (Variation ID: 2969087). An algorithm developed to predict the effect of missense changes on protein structure and function (PolyPhen-2) suggests that this variant is likely to be disruptive. In summary, the available evidence is currently insufficient to determine the role of this variant in disease. Therefore, it has been classified as a Variant of Uncertain Significance.

NM_002677.5(PMP2):c.157C>G (p.Arg53Gly)

Gene: PMP2 (peripheral myelin protein 2; minus strand). Cytogenetic location: 8q21.13.
Variant type: single nucleotide variant.
Coding change: c.157C>G on transcript NM_002677.5 (MANE Select); coding-DNA position 157, C replaced by G.
Protein change: p.Arg53Gly; replaces arginine 53 with glycine.
Molecular consequence: missense variant. On other transcripts: intron variant (1).
Genome position (GRCh38, 1-based): chr8:81,444,906, G>C on the plus strand (C>G on the coding strand, the complement: PMP2 is on the minus strand). VCF-style: chr8-81444906-G-C. GRCh37 (hg19) VCF-style: chr8-82357141-G-C.
Other names: c.74-305C>G (NM_001348381.2); short protein forms R53G.
Identifiers: ClinVar variation 2969087 (VCV002969087.3), dbSNP rs375558516, ClinGen allele CA371518046.